The following is an entry in ClinVar:

ClinVar aggregate classification (germline): Uncertain significance (1 of 4 stars; one submission).

Conditions:
FG syndrome (FGS). Identifiers: MedGen C0220769, MONDO:0002010.

Submission:

Labcorp Genetics (formerly Invitae), Labcorp
Classification: Uncertain significance for FG syndrome. Last evaluated: 2022-12-26. Review status: criteria provided, single submitter. Criteria: Invitae Variant Classification Sherloc (09022015). Collection method: clinical testing. Allele origin: germline.
Comment: This variant has not been reported in the literature in individuals affected with MED12-related conditions. This variant is not present in population databases (gnomAD no frequency). This sequence change replaces tyrosine, which is neutral and polar, with cysteine, which is neutral and slightly polar, at codon 145 of the MED12 protein (p.Tyr145Cys). In summary, the available evidence is currently insufficient to determine the role of this variant in disease. Therefore, it has been classified as a Variant of Uncertain Significance. Advanced modeling of protein sequence and biophysical properties (such as structural, functional, and spatial information, amino acid conservation, physicochemical variation, residue mobility, and thermodynamic stability) performed at Invitae indicates that this missense variant is not expected to disrupt MED12 protein function.

NM_005120.3(MED12):c.434A>G (p.Tyr145Cys)

Gene: MED12 (mediator complex subunit 12; plus strand). Cytogenetic location: Xq13.1.
Variant type: single nucleotide variant.
Coding change: c.434A>G on transcript NM_005120.3 (MANE Select); coding-DNA position 434, A replaced by G.
Protein change: p.Tyr145Cys; replaces tyrosine 145 with cysteine.
Molecular consequence: missense variant.
Genome position (GRCh38, 1-based): chrX:71,120,051, A>G. VCF-style: chrX-71120051-A-G. GRCh37 (hg19) VCF-style: chrX-70339901-A-G.
Other names: short protein forms Y145C.
Identifiers: ClinVar variation 2824422 (VCV002824422.3), dbSNP rs2519663596, ClinGen allele CA413499867.